The following continues an entry in ClinVar:

NM_000228.3(LAMB3):c.1903C>T (p.Arg635Ter)

Gene: LAMB3. ClinVar aggregate classification (germline): Pathogenic. Pathogenic (16).

Submissions 14 to 24 of 24:

Women's Health and Genetics/Laboratory Corporation of America, LabCorp
Classification: Pathogenic for Junctional epidermolysis bullosa gravis of Herlitz. Last evaluated: 2016-10-27. Review status: criteria provided, single submitter. Criteria: LabCorp Variant Classification Summary - May 2015. Collection method: clinical testing. Allele origin: germline.
Comment: Variant summary: The LAMB3 c.1903C>T (p.Arg635X) variant results in a premature termination codon, predicted to cause a truncated or absent LAMB3 protein due to nonsense mediated decay, which are commonly known mechanisms for disease. One in silico tool predicts a damaging outcome for this variant. This variant was found in 92/121034 control chromosomes, predominantly observed in the European (Non-Finnish) subpopulation at a frequency of 0.0013392 (89/66456). This variant has been reported in numerous JEB patients both as homozygotes and compound heterozygotes. In addition, multiple clinical diagnostic laboratories/reputable databases classified this variant as pathogenic. Taken together, this variant is classified as pathogenic.

Center for Genomics, Ann and Robert H. Lurie Children's Hospital of Chicago
Classification: Pathogenic for Junctional epidermolysis bullosa gravis of Herlitz; Junctional epidermolysis bullosa, non-Herlitz type; Amelogenesis imperfecta type 1A. Review status: criteria provided, single submitter. Criteria: ACMG Guidelines, 2015. Collection method: clinical testing. Allele origin: germline.
Comment: LAMB3 NM_000228.2 exon 14 p.Arg635* (c.1903C>T): This variant has been reported in the literature in several individuals with epidermolysis bullosa in the homozygous and compound heterozygous state, including an entry in GeneReviews. Literature suggests that this variant is one of the most common pathogenic variants in this gene (Pulkkinen 1994 PMID:7698759, Kivirikko 1996 PMID:8824879, Varki 2006 PMID:16473856, Pfendner 2014 PMID:20301304). This variant is present in 0.1% (133/129106) of European alleles in the Genome Aggregation Database. Please note, disease causing variants may be present in control databases at low frequencies, reflective of the general population, autosomal recessive inheritance carrier status, and/or variable expressivity. This variant is present in ClinVar, with several labs classifying this variant as pathogenic (Variation ID:14539). Evolutionary conservation and computational predictive tools for this variant are limited or unavailable. In vitro functional studies also support that this variant will impact the protein (Pulkkinen 1994 PMID:7698759). This variant creates a premature stop at this codon which results in an absent or abnormal protein. Loss of function variants are a known mechanism of disease for this gene (Varki 2006 PMID:16473856). In summary, this variant is classified as pathogenic.

Neuberg Centre For Genomic Medicine, NCGM
Classification: Pathogenic for Junctional epidermolysis bullosa, non-Herlitz type. Review status: criteria provided, single submitter. Criteria: ACMG Guidelines, 2015. Collection method: clinical testing. Allele origin: germline. Inheritance: Autosomal recessive inheritance. Affected: yes.
Comment: The stop gained p.R635* in LAMB3 (NM_000228.3) have been reported previously in multiple patients associated with severe Herlitz phenotype (Nakano et al 2000; Cserhalmi-Friedman et al 2001). The variant has been reported to ClinVar as Pathogenic. This variant is predicted to cause loss of normal protein function through protein truncation. The p.R635* variant is a loss of function variant in the gene LAMB3, which is intolerant of Loss of Function variants, as indicated by the presence of existing pathogenic loss of function variant NP_000219.2:p.L11Pfs*43 and 47 others. For these reasons, this variant has been classified as Pathogenic.

Knight Diagnostic Laboratories, Oregon Health and Sciences University
Classification: Pathogenic for Junctional epidermolysis bullosa gravis of Herlitz. Last evaluated: 2016-03-03. Review status: no assertion criteria provided. Criteria: ACMG Guidelines, 2015. Collection method: clinical testing. Allele origin: germline. Affected: no. Study: CSER-NextGen. Not counted in ClinVar's aggregate classification.

OMIM
Classification: Pathogenic for EPIDERMOLYSIS BULLOSA, JUNCTIONAL 1B, SEVERE. Last evaluated: 2005-01-01. Review status: no assertion criteria provided. Collection method: literature only. Allele origin: germline. Not counted in ClinVar's aggregate classification.

OMIM
Classification: Pathogenic for EPIDERMOLYSIS BULLOSA, JUNCTIONAL 1A, INTERMEDIATE. Last evaluated: 2005-01-01. Review status: no assertion criteria provided. Collection method: literature only. Allele origin: germline. Not counted in ClinVar's aggregate classification.

Clinical Genetics DNA and cytogenetics Diagnostics Lab, Erasmus MC, Erasmus Medical Center
Classification: Pathogenic. Review status: no assertion criteria provided. Collection method: clinical testing. Allele origin: germline. Affected: yes. Study: VKGL Data-share Consensus. Not counted in ClinVar's aggregate classification.

Diagnostic Laboratory, Department of Genetics, University Medical Center Groningen
Classification: Pathogenic. Review status: no assertion criteria provided. Collection method: clinical testing. Allele origin: germline. Affected: yes. Study: VKGL Data-share Consensus. Not counted in ClinVar's aggregate classification.

GeneReviews
No classification provided. Condition: Junctional epidermolysis bullosa gravis of Herlitz. Review status: no classification provided. Collection method: literature only. Allele origin: unknown. Not counted in ClinVar's aggregate classification.

Genome Diagnostics Laboratory, University Medical Center Utrecht
Classification: Pathogenic. Review status: no assertion criteria provided. Collection method: clinical testing. Allele origin: germline. Affected: yes. Study: VKGL Data-share Consensus. Not counted in ClinVar's aggregate classification.

Joint Genome Diagnostic Labs from Nijmegen and Maastricht, Radboudumc and MUMC+
Classification: Pathogenic. Review status: no assertion criteria provided. Collection method: clinical testing. Allele origin: germline. Affected: yes. Study: VKGL Data-share Consensus. Not counted in ClinVar's aggregate classification.

Literature cited by the submitters: PubMed 11023379 (cited by 3 submitters); PubMed 16473856 (cited by Labcorp Genetics (formerly Invitae), Labcorp and Myriad Genetics, Inc.); PubMed 7698759 (cited by 5 submitters); PubMed 11689492 (cited by Labcorp Genetics (formerly Invitae), Labcorp and Illumina Laboratory Services, Illumina); PubMed 15311214 (cited by Labcorp Genetics (formerly Invitae), Labcorp); PubMed 15663509 (cited by Labcorp Genetics (formerly Invitae), Labcorp); PubMed 27062385 (cited by Labcorp Genetics (formerly Invitae), Labcorp); PubMed 28830826 (cited by Labcorp Genetics (formerly Invitae), Labcorp); PubMed 17476356 (cited by Myriad Genetics, Inc.); PubMed 8983017 (cited by Myriad Genetics, Inc.); PubMed 9242513 (cited by 3 submitters); PubMed 8824879 (cited by Illumina Laboratory Services, Illumina); PubMed 11451332 (cited by Illumina Laboratory Services, Illumina); PubMed 11298117 (cited by Illumina Laboratory Services, Illumina); PubMed 25708563 (cited by Women's Health and Genetics/Laboratory Corporation of America, LabCorp); PubMed 21801158 (cited by Women's Health and Genetics/Laboratory Corporation of America, LabCorp); PubMed 9205497 (cited by OMIM and GeneReviews); PubMed 15538630 (cited by OMIM and GeneReviews); PubMed 9856855 (cited by OMIM); PubMed 10577906 (cited by OMIM and GeneReviews); PubMed 20301304 (cited by GeneReviews); NCBI Bookshelf NBK1125 (cited by GeneReviews).